The following is an entry in ClinVar:

NM_001198800.3(ASCC1):c.958-5483_958-5482insAAAAAAAAGGAAAAAAAAACATAGTATCTATTTCGTGGGGTTGTGAGGACGCAATAAGATAATTCCTGGCACATGTGTTTACTTAATAAATGTTGGCTGTTGTCATCTTTATTACTGTTGTTGTCAATACCTACATATTTCTAGTTCACTTTGATCTTTTTTTTGTTTTGTTTTGAGACAGAGCTTTGCCTTGTTGCCCAGGCTGGAGTACAATGAGC

Gene: ASCC1 (activating signal cointegrator 1 complex subunit 1; minus strand). Cytogenetic location: 10q22.1.
Variant type: Insertion.
Coding change: c.958-5483_958-5482insAAAAAAAAGGAAAAAAAAACATAGTATCTATTTCGTGGGGTTGTGAGGACGCAATAAGATAATTCCTGGCACATGTGTTTACTTAATAAATGTTGGCTGTTGTCATCTTTATTACTGTTGTTGTCAATACCTACATATTTCTAGTTCACTTTGATCTTTTTTTTGTTTTGTTTTGAGACAGAGCTTTGCCTTGTTGCCCAGGCTGGAGTACAATGAGC on transcript NM_001198800.3 (MANE Select); 5483 bases into the intron before coding-DNA position 958 through 5482 bases into the intron before coding-DNA position 958, AAAAAAAAGGAAAAAAAAACATAGTATCTATTTCGTGGGGTTGTGAGGACGCAATAAGATAATTCCTGGCACATGTGTTTACTTAATAAATGTTGGCTGTTGTCATCTTTATTACTGTTGTTGTCAATACCTACATATTTCTAGTTCACTTTGATCTTTTTTTTGTTTTGTTTTGAGACAGAGCTTTGCCTTGTTGCCCAGGCTGGAGTACAATGAGC inserted.
Molecular consequence: intron variant.
Genome position: GRCh38: chr10:72,103,148-72,103,149. GRCh37 (hg19): chr10:73,862,906-73,862,907.
Other names: c.752-5483_752-5482insAAAAAAAAGGAAAAAAAAACATAGTATCTATTTCGTGGGGTTGTGAGGACGCAATAAGATAATTCCTGGCACATGTGTTTACTTAATAAATGTTGGCTGTTGTCATCTTTATTACTGTTGTTGTCAATACCTACATATTTCTAGTTCACTTTGATCTTTTTTTTGTTTTGTTTTGAGACAGAGCTTTGCCTTGTTGCCCAGGCTGGAGTACAATGAGC (NM_001369112.1); c.838-5483_838-5482insAAAAAAAAGGAAAAAAAAACATAGTATCTATTTCGTGGGGTTGTGAGGACGCAATAAGATAATTCCTGGCACATGTGTTTACTTAATAAATGTTGGCTGTTGTCATCTTTATTACTGTTGTTGTCAATACCTACATATTTCTAGTTCACTTTGATCTTTTTTTTGTTTTGTTTTGAGACAGAGCTTTGCCTTGTTGCCCAGGCTGGAGTACAATGAGC (NM_001369108.1, NM_001369109.1); c.872-5483_872-5482insAAAAAAAAGGAAAAAAAAACATAGTATCTATTTCGTGGGGTTGTGAGGACGCAATAAGATAATTCCTGGCACATGTGTTTACTTAATAAATGTTGGCTGTTGTCATCTTTATTACTGTTGTTGTCAATACCTACATATTTCTAGTTCACTTTGATCTTTTTTTTGTTTTGTTTTGAGACAGAGCTTTGCCTTGTTGCCCAGGCTGGAGTACAATGAGC (NM_001369110.1, NM_001369111.1); c.958-521_958-520insAAAAAAAAGGAAAAAAAAACATAGTATCTATTTCGTGGGGTTGTGAGGACGCAATAAGATAATTCCTGGCACATGTGTTTACTTAATAAATGTTGGCTGTTGTCATCTTTATTACTGTTGTTGTCAATACCTACATATTTCTAGTTCACTTTGATCTTTTTTTTGTTTTGTTTTGAGACAGAGCTTTGCCTTGTTGCCCAGGCTGGAGTACAATGAGC (NM_001369096.1, NM_001369097.1, NM_001369098.1); c.841-5483_841-5482insAAAAAAAAGGAAAAAAAAACATAGTATCTATTTCGTGGGGTTGTGAGGACGCAATAAGATAATTCCTGGCACATGTGTTTACTTAATAAATGTTGGCTGTTGTCATCTTTATTACTGTTGTTGTCAATACCTACATATTTCTAGTTCACTTTGATCTTTTTTTTGTTTTGTTTTGAGACAGAGCTTTGCCTTGTTGCCCAGGCTGGAGTACAATGAGC (NM_001369105.1, NM_001369106.1, NM_001369107.1); c.958-5483_958-5482insAAAAAAAAGGAAAAAAAAACATAGTATCTATTTCGTGGGGTTGTGAGGACGCAATAAGATAATTCCTGGCACATGTGTTTACTTAATAAATGTTGGCTGTTGTCATCTTTATTACTGTTGTTGTCAATACCTACATATTTCTAGTTCACTTTGATCTTTTTTTTGTTTTGTTTTGAGACAGAGCTTTGCCTTGTTGCCCAGGCTGGAGTACAATGAGC (NM_001369095.1, NM_001198798.2, NM_001369093.1 and 1 more transcripts); c.904-5483_904-5482insAAAAAAAAGGAAAAAAAAACATAGTATCTATTTCGTGGGGTTGTGAGGACGCAATAAGATAATTCCTGGCACATGTGTTTACTTAATAAATGTTGGCTGTTGTCATCTTTATTACTGTTGTTGTCAATACCTACATATTTCTAGTTCACTTTGATCTTTTTTTTGTTTTGTTTTGAGACAGAGCTTTGCCTTGTTGCCCAGGCTGGAGTACAATGAGC (NM_001369099.1).
Identifiers: ClinVar variation 3658954 (VCV003658954.2).

ClinVar aggregate classification (germline): Pathogenic (1 of 4 stars; one submission).

Submission:

Labcorp Genetics (formerly Invitae), Labcorp
Classification: Pathogenic. Last evaluated: 2025-11-05. Review status: criteria provided, single submitter. Criteria: Invitae Variant Classification Sherloc (09022015). Collection method: clinical testing. Allele origin: germline.
Comment: The ASCC1 gene has multiple clinically relevant transcripts. This variant occurs in alternate transcript NM_001198799.2, and corresponds to NM_001198800.2:c.958-5483_958-5482ins218 in the primary transcript. This sequence change creates a premature translational stop signal (p.Asp359Glufs*22) in the ASCC1 gene. It is expected to result in an absent or disrupted protein product. Loss-of-function variants in ASCC1 are known to be pathogenic (PMID: 30327447). This variant is not present in population databases (gnomAD no frequency). This variant has not been reported in the literature in individuals affected with ASCC1-related conditions. For these reasons, this variant has been classified as Pathogenic.

Literature cited by the submitters: PubMed 30327447.